The following is an entry in ClinVar:

ClinVar aggregate classification (germline): Pathogenic (1 of 4 stars; one submission).

Conditions:
Primary ciliary dyskinesia. Also called: Ciliary dyskinesia. Identifiers: Orphanet 244, MedGen C0008780, MONDO:0016575, HP:0012265.

Submission:

Labcorp Genetics (formerly Invitae), Labcorp
Classification: Pathogenic for Primary ciliary dyskinesia. Last evaluated: 2022-10-23. Review status: criteria provided, single submitter. Criteria: Invitae Variant Classification Sherloc (09022015). Collection method: clinical testing. Allele origin: germline.
Comment: For these reasons, this variant has been classified as Pathogenic. This variant has not been reported in the literature in individuals affected with RPGR-related conditions. This variant is not present in population databases (gnomAD no frequency). This sequence change creates a premature translational stop signal (p.Met502Ilefs*11) in the RPGR gene. It is expected to result in an absent or disrupted protein product. Loss-of-function variants in RPGR are known to be pathogenic (PMID: 16055928, 16969763).

Literature cited by the submitters: PubMed 16055928; PubMed 16969763.

NM_001034853.2(RPGR):c.1505dup (p.Met502fs)

Gene: RPGR (retinitis pigmentosa GTPase regulator; minus strand). Cytogenetic location: Xp11.4.
Variant type: Duplication.
Coding change: c.1505dup on transcript NM_001034853.2 (MANE Select); coding-DNA position 1505, one base duplicated (T; older notation c.1505dupT).
Protein change: p.Met502fs; shifts the reading frame from methionine 502.
Molecular consequence: frameshift variant. On other transcripts: non-coding transcript variant (5).
Genome position (GRCh38, 1-based): chrX:38,291,394, A duplicated on the plus strand (T on the coding strand, the reverse complement: RPGR is on the minus strand). VCF-style (leftmost placement, unchanged base first): chrX-38291393-C-CA. GRCh37 (hg19) VCF-style: chrX-38150646-C-CA.
Other names: c.1505dup, p.Met502fs (NM_000328.3, NM_001367247.1); c.1502dup, p.Met501fs (NM_001367245.1, NM_001367249.1, NM_001367250.1); c.1319dup, p.Met440fs (NM_001367246.1, NM_001367251.1); c.1535dup, p.Met512fs (NM_001367248.1); short protein forms M440fs, M502fs, M512fs, M501fs.
Identifiers: ClinVar variation 2809437 (VCV002809437.3), dbSNP rs2519808318, ClinGen allele CA2739273398.
Genomic context (GRCh38, chrX:38,291,393, plus strand): 5'-ACATACACAATGAACTAAAATTCAAACTCATATTTAGATAAATAGATAGGAAATCATTAC[C>CA]ATGTTTAAGATATCAGTAGTTTCTCCAAGGCTTTCTACAGTTGAAGAATTATCTATCTCT-3'